The following is an entry in ClinVar:

ClinVar aggregate classification (germline): Likely benign. Review status: criteria provided, multiple submitters, no conflicts (2 of 4 stars). 2 submissions from 2 submitters: Likely benign (2). Last evaluated 2025-03-17.

Allele frequency attached by ClinVar (database versions not stated): ExAC 0.00001; gnomAD 0.00001; gnomAD exomes 0.00002 and 0.00003.
gnomAD v4.1: 37 of 1,613,864 alleles (0.0023%); highest among the groups gnomAD compares: South Asian, 0.013%; no homozygotes.

Submissions (2):

Labcorp Genetics (formerly Invitae), Labcorp
Classification: Likely benign. Last evaluated: 2025-03-17. Review status: criteria provided, single submitter. Criteria: Invitae Variant Classification Sherloc (09022015). Collection method: clinical testing. Allele origin: germline.

CeGaT Center for Human Genetics Tuebingen
Classification: Likely benign. Last evaluated: 2022-06-01. Review status: criteria provided, single submitter. Criteria: CeGaT Center For Human Genetics Tuebingen Variant Classification Criteria Version 2. Collection method: clinical testing. Allele origin: germline. Affected: yes. Observed: 1 variant allele.
Comment: ANK3: BP4, BP7

NM_020987.5(ANK3):c.4530G>A (p.Pro1510=)

Gene: ANK3 (ankyrin 3; minus strand). Cytogenetic location: 10q21.2.
Variant type: single nucleotide variant.
Coding change: c.4530G>A on transcript NM_020987.5 (MANE Select); coding-DNA position 4530, G replaced by A.
Protein change: p.Pro1510=; no amino-acid change (proline 1510 retained).
Molecular consequence: synonymous variant. On other transcripts: intron variant (4).
Genome position (GRCh38, 1-based): chr10:60,076,351, C>T on the plus strand (G>A on the coding strand, the complement: ANK3 is on the minus strand). VCF-style: chr10-60076351-C-T. GRCh37 (hg19) VCF-style: chr10-61836109-C-T.
Other names: c.4387+4186G>A (NM_001204403.2); c.4408+4186G>A (NM_001204404.2); c.4405+4186G>A (NM_001320874.2); c.1807+4186G>A (NM_001149.4).
Identifiers: ClinVar variation 1694562 (VCV001694562.34), dbSNP rs757803121, ClinGen allele CA5512161.